The following is an entry in ClinVar:

ClinVar aggregate classification (germline): not provided (0 of 4 stars; one submission).

Conditions:
Orthostatic hypotension 1 (ORTHYP1). Also called: Dopamine beta-hydroxylase deficiency; NORADRENALINE DEFICIENCY; NOREPINEPHRINE DEFICIENCY; Orthostatic hypotension 1, due to DBH deficiency. Identifiers: Orphanet 230, MedGen C4746777, MONDO:0009123, OMIM 223360.

Allele frequency attached by ClinVar (database versions not stated): 1000 Genomes Project 0.78734; gnomAD 0.79724 and 0.79837; 1000 Genomes Project 30x 0.78763; TOPMed 0.78776.

Submission:

GeneReviews
No classification provided. Condition: Orthostatic hypotension 1. Review status: no classification provided. Collection method: literature only. Allele origin: germline.
Comment: Variant that contributes up to 52% of normal variation in DBH activity [Zabetian et al 2001]

Literature cited by the submitters: PubMed 11170900; NCBI Bookshelf NBK1474.

NM_000787.3(DBH):c.-979T>C

Gene: DBH (dopamine beta-hydroxylase; plus strand). Cytogenetic location: 9q34.2.
Variant type: single nucleotide variant.
Coding change: c.-979T>C on transcript NM_000787.3; 979 bases upstream of the start codon, T replaced by C.
Genome position (GRCh38, 1-based): chr9:133,635,393, T>C. VCF-style: chr9-133635393-T-C. GRCh37 (hg19) VCF-style: chr9-136500515-T-C.
Identifiers: ClinVar variation 217759 (VCV000217759.5), dbSNP rs1611115, ClinGen allele CA347658.